The following is an entry in ClinVar:

NM_004836.7(EIF2AK3):c.1720G>C (p.Asp574His)

Gene: EIF2AK3 (eukaryotic translation initiation factor 2 alpha kinase 3; minus strand). Cytogenetic location: 2p11.2.
Variant type: single nucleotide variant.
Coding change: c.1720G>C on transcript NM_004836.7 (MANE Select); coding-DNA position 1720, G replaced by C.
Protein change: p.Asp574His; replaces aspartic acid 574 with histidine.
Molecular consequence: missense variant.
Genome position (GRCh38, 1-based): chr2:88,583,473, C>G on the plus strand (G>C on the coding strand, the complement: EIF2AK3 is on the minus strand). VCF-style: chr2-88583473-C-G. GRCh37 (hg19) VCF-style: chr2-88882991-C-G.
Other names: c.1267G>C, p.Asp423His (NM_001313915.2); short protein forms D423H, D574H.
Identifiers: ClinVar variation 2101554 (VCV002101554.4), dbSNP rs756141427, ClinGen allele CA347594043.
Genomic context (GRCh38, chr2:88,583,473, plus strand): 5'-TTTTATAAGACTCTTACCGTGATATATATCCAGAGTTTTTTATGTCATTCCAGCTACTGT[C>G]ATTGGCTTCACCACTTACAGAATCATATTTATTTTCAGTTTGACACTGAGTTTCAGACTC-3'
Protein context (NP_004827.4, residues 564-584): KYDSVSGEAN[Asp574His]SSWNDIKNSG

ClinVar aggregate classification (germline): Uncertain significance (1 of 4 stars; one submission).

Allele frequency attached by ClinVar (database versions not stated): gnomAD 0.00001.

Submission:

Labcorp Genetics (formerly Invitae), Labcorp
Classification: Uncertain significance. Last evaluated: 2022-04-25. Review status: criteria provided, single submitter. Criteria: Invitae Variant Classification Sherloc (09022015). Collection method: clinical testing. Allele origin: germline.
Comment: In summary, the available evidence is currently insufficient to determine the role of this variant in disease. Therefore, it has been classified as a Variant of Uncertain Significance. Algorithms developed to predict the effect of missense changes on protein structure and function are either unavailable or do not agree on the potential impact of this missense change (SIFT: "Tolerated"; PolyPhen-2: "Possibly Damaging"; Align-GVGD: "Class C0"). This variant has not been reported in the literature in individuals affected with EIF2AK3-related conditions. This sequence change replaces aspartic acid, which is acidic and polar, with histidine, which is basic and polar, at codon 574 of the EIF2AK3 protein (p.Asp574His). This variant is present in population databases (no rsID available, gnomAD 0.007%).